The following is an entry in ClinVar:

NM_002439.5(MSH3):c.1088dup (p.Ser364fs)

Gene: MSH3 (mutS homolog 3; plus strand). Cytogenetic location: 5q14.1.
Variant type: Duplication.
Coding change: c.1088dup on transcript NM_002439.5 (MANE Select); coding-DNA position 1088, one base duplicated (C; older notation c.1088dupC).
Protein change: p.Ser364fs; shifts the reading frame from serine 364.
Molecular consequence: frameshift variant.
Genome position (GRCh38, 1-based): chr5:80,675,043, C duplicated. VCF-style (leftmost placement, unchanged base first): chr5-80675042-A-AC. GRCh37 (hg19) VCF-style: chr5-79970861-A-AC.
Other names: short protein forms S364fs.
Identifiers: ClinVar variation 3723008 (VCV003723008.2).

ClinVar aggregate classification (germline): Pathogenic (1 of 4 stars; one submission).

Submission:

Labcorp Genetics (formerly Invitae), Labcorp
Classification: Pathogenic. Last evaluated: 2024-10-17. Review status: criteria provided, single submitter. Criteria: Invitae Variant Classification Sherloc (09022015). Collection method: clinical testing. Allele origin: germline.
Comment: This sequence change creates a premature translational stop signal (p.Ser364Phefs*10) in the MSH3 gene. It is expected to result in an absent or disrupted protein product. Loss-of-function variants in MSH3 are known to be pathogenic (PMID: 27476653, 37402566). This variant is not present in population databases (gnomAD no frequency). This variant has not been reported in the literature in individuals affected with MSH3-related conditions. RNA analysis performed to evaluate the impact of this premature translational stop signal on mRNA splicing indicates it does not significantly alter splicing (internal data). For these reasons, this variant has been classified as Pathogenic.

Literature cited by the submitters: PubMed 27476653; PubMed 37402566.